The following is an entry in ClinVar:

ClinVar aggregate classification (germline): Likely pathogenic (1 of 4 stars; one submission).

Conditions:
Autosomal recessive limb-girdle muscular dystrophy type 2J (LGMDR10). Also called: Limb-girdle muscular dystrophy, type 2J; MUSCULAR DYSTROPHY, LIMB-GIRDLE, AUTOSOMAL RECESSIVE 10. Identifiers: Orphanet 140922, MedGen C1837342, MONDO:0012127, OMIM 608807.
Dilated cardiomyopathy 1G (CMD1G). Identifiers: Orphanet 154, MedGen C1858763, MONDO:0011400, OMIM 604145.

Submission:

Labcorp Genetics (formerly Invitae), Labcorp
Classification: Likely pathogenic for Dilated cardiomyopathy 1G; Autosomal recessive limb-girdle muscular dystrophy type 2J. Last evaluated: 2025-07-03. Review status: criteria provided, single submitter. Criteria: Invitae Variant Classification Sherloc (09022015). Collection method: clinical testing. Allele origin: germline.
Comment: This sequence change creates a premature translational stop signal (p.Asp796Asnfs*10) in the TTN gene. While this is not anticipated to result in nonsense mediated decay, it is expected to create a truncated TTN protein. This variant is not present in population databases (gnomAD no frequency). This variant has not been reported in the literature in individuals affected with TTN-related conditions. This variant is located in the Z band of TTN (PMID: 25589632). Truncating variants in this region have been reported in individuals affected with autosomal recessive centronuclear myopathy (PMID: 33449170, internal data). Truncating variants in this region have also been identified in individuals affected with autosomal dominant dilated cardiomyopathy and/or cardio-related conditions (PMID: 27869827, 32964742, internal data). In summary, the currently available evidence indicates that the variant is pathogenic, but additional data are needed to prove that conclusively. Therefore, this variant has been classified as Likely Pathogenic.

Literature cited by the submitters: PubMed 25589632; PubMed 33449170; PubMed 27869827; PubMed 32964742.

NM_001267550.2(TTN):c.2386_2390del (p.Asp796fs)

Gene: TTN (titin; minus strand). Cytogenetic location: 2q31.2.
Variant type: Deletion.
Coding change: c.2386_2390del on transcript NM_001267550.2 (MANE Select); coding-DNA positions 2386 to 2390, 5 bases deleted (GATCT; older notation c.2386_2390delGATCT).
Protein change: p.Asp796fs; shifts the reading frame from aspartic acid 796.
Molecular consequence: frameshift variant.
Genome position (GRCh38, 1-based): chr2:178,785,723-178,785,727, AGATC deleted on the plus strand (GATCT on the coding strand, the reverse complement: TTN is on the minus strand). VCF-style (leftmost placement, unchanged base first): chr2-178785722-TAGATC-T. GRCh37 (hg19) VCF-style: chr2-179650449-TAGATC-T.
Other names: c.2386_2390del, p.Asp796fs (NM_001256850.1, NM_133378.4, NM_133379.5); c.2248_2252del, p.Asp750fs (NM_003319.4, NM_133432.3, NM_133437.4); short protein forms D796fs, D750fs.
Identifiers: ClinVar variation 4785479 (VCV004785479.1).
Genomic context (GRCh38, chr2:178,785,722, plus strand): 5'-AGTAAAGTGAGGGCTAGCTGTGCGGGGGCGTTTATCCACATGGACTAATCTTTCCGTTGT[TAGATC>T]TGTAGTTTTCTTGATCTGCATTGAAATGAAACTCAGTGATACCATTGATCACCAGATGAC-3'